The following is an entry in ClinVar:

NM_020778.5(ALPK3):c.186C>A (p.Ser62Arg)

Gene: ALPK3 (alpha kinase 3; plus strand). Cytogenetic location: 15q25.3.
Variant type: single nucleotide variant.
Coding change: c.186C>A on transcript NM_020778.5 (MANE Select); coding-DNA position 186, C replaced by A.
Protein change: p.Ser62Arg; replaces serine 62 with arginine.
Molecular consequence: missense variant.
Genome position (GRCh38, 1-based): chr15:84,827,487, C>A. VCF-style: chr15-84827487-C-A. GRCh37 (hg19) VCF-style: chr15-85370718-C-A.
Other names: short protein forms S62R.
Identifiers: ClinVar variation 2975347 (VCV002975347.3), dbSNP rs116058119, ClinGen allele CA7708884.

ClinVar aggregate classification (germline): Uncertain significance (1 of 4 stars; one submission).

Allele frequency attached by ClinVar (database versions not stated): ExAC 0.00002.
gnomAD v4.1: 3 of 1,614,162 alleles (0.00019%); highest among the groups gnomAD compares: Admixed American, 0.005%; no homozygotes.

Submission:

Labcorp Genetics (formerly Invitae), Labcorp
Classification: Uncertain significance. Last evaluated: 2025-06-27. Review status: criteria provided, single submitter. Criteria: Invitae Variant Classification Sherloc (09022015). Collection method: clinical testing. Allele origin: germline.
Comment: This sequence change replaces serine, which is neutral and polar, with arginine, which is basic and polar, at codon 264 of the ALPK3 protein (p.Ser264Arg). This variant is present in population databases (rs116058119, gnomAD 0.006%). This variant has not been reported in the literature in individuals affected with ALPK3-related conditions. ClinVar contains an entry for this variant (Variation ID: 2975347). An algorithm developed to predict the effect of missense changes on protein structure and function (PolyPhen-2) suggests that this variant is likely to be tolerated. In summary, the available evidence is currently insufficient to determine the role of this variant in disease. Therefore, it has been classified as a Variant of Uncertain Significance.